The following is an entry in ClinVar:

ClinVar aggregate classification (germline): Pathogenic (1 of 4 stars; one submission).

Submission:

GeneDx
Classification: Pathogenic. Last evaluated: 2015-07-20. Review status: criteria provided, single submitter. Criteria: GeneDx Variant Classification (06012015). Collection method: clinical testing. Allele origin: germline. Affected: yes.
Comment: The p.Gly2563Asp variant in the COL7A1 gene has not been reported previously as a pathogenic variant nor as a benign polymorphism, to our knowledge. The p.Gly2563Asp substitution was not observedin approximately 6500 individuals of European and African American ancestry in the NHLBI ExomeSequencing Project, indicating it is not a common benign variant in these populations. The p.Gly2563Aspvariant is a non-conservative amino acid substitution, which is likely to impact secondary protein structureas these residues differ in polarity, charge, size and/or other properties. This substitution occurs at aposition that is conserved across species. In silico analysis predicts this variant is probably damaging tothe protein structure/function as it occurs at the first Glycine position of the canonical Gly-X-Y repeat inthe collagenous domain of the COLVII protein. Glycine substitution variants in this region of the collagenVII protein will destabilize the collagen triple helix resulting in anchoring fibrils that are unstable and resultin poor anchoring off the basement membrane to the underlying dermis. Missense variants in nearbyresidues (G2557R, G2569C,S,R G2575R) have been reported in the Human Gene Mutation Database inassociation with DEB (Stenson et al., 2014), supporting the functional importance of this region of theprotein. We interpret p.Gly2563Asp as a pathogenic variant.

NM_000094.4(COL7A1):c.7688G>A (p.Gly2563Asp)

Gene: COL7A1 (collagen type VII alpha 1 chain; minus strand). Cytogenetic location: 3p21.31.
Variant type: single nucleotide variant.
Coding change: c.7688G>A on transcript NM_000094.4 (MANE Select); coding-DNA position 7688, G replaced by A.
Protein change: p.Gly2563Asp; replaces glycine 2563 with aspartic acid.
Molecular consequence: missense variant.
Genome position (GRCh38, 1-based): chr3:48,568,854, C>T on the plus strand (G>A on the coding strand, the complement: COL7A1 is on the minus strand). VCF-style: chr3-48568854-C-T. GRCh37 (hg19) VCF-style: chr3-48606287-C-T.
Other names: short protein forms G2563D.
Identifiers: ClinVar variation 419484 (VCV000419484.2), dbSNP rs1064793904, ClinGen allele CA16617980.